The following is an entry in ClinVar:

NM_001042492.3(NF1):c.7846del (p.Gln2616fs)

Gene: NF1 (neurofibromin 1; plus strand). Cytogenetic location: 17q11.2.
Variant type: Deletion.
Coding change: c.7846del on transcript NM_001042492.3 (MANE Select); coding-DNA position 7846, one base deleted (C; older notation c.7846delC).
Protein change: p.Gln2616fs; shifts the reading frame from glutamine 2616.
Molecular consequence: frameshift variant.
Genome position (GRCh38, 1-based): chr17:31,357,067, C deleted; the last of 2 consecutive C bases (chr17:31,357,066-31,357,067); deleting either gives the same sequence. VCF-style (leftmost placement, unchanged base first): chr17-31357065-TC-T. GRCh37 (hg19) VCF-style: chr17-29684083-TC-T.
Other names: c.7783delC, p.Gln2595Argfs (NM_000267.4); short protein forms Q2616fs, Q2595fs.
Identifiers: ClinVar variation 3656407 (VCV003656407.2).

ClinVar aggregate classification (germline): Pathogenic (1 of 4 stars; one submission).

Conditions:
Neurofibromatosis, type 1 (NF1). Also called: Peripheral type neurofibromatosis; VON RECKLINGHAUSEN DISEASE; NEUROFIBROMATOSIS, TYPE I, SOMATIC; Neurofibromatosis, type I. Identifiers: Orphanet 636, MedGen C0027831, MONDO:0018975, OMIM 162200. Disease mechanism: loss of function.

Submission:

Labcorp Genetics (formerly Invitae), Labcorp
Classification: Pathogenic for Neurofibromatosis, type 1. Last evaluated: 2024-06-12. Review status: criteria provided, single submitter. Criteria: Invitae Variant Classification Sherloc (09022015). Collection method: clinical testing. Allele origin: germline.
Comment: This sequence change creates a premature translational stop signal (p.Gln2595Argfs*8) in the NF1 gene. It is expected to result in an absent or disrupted protein product. Loss-of-function variants in NF1 are known to be pathogenic (PMID: 10712197, 23913538). This variant is not present in population databases (gnomAD no frequency). This variant has not been reported in the literature in individuals affected with NF1-related conditions. Algorithms developed to predict the effect of sequence changes on RNA splicing suggest that this variant may disrupt the consensus splice site. For these reasons, this variant has been classified as Pathogenic.

Literature cited by the submitters: PubMed 10712197; PubMed 23913538.